The following is an entry in ClinVar:

ClinVar aggregate classification (germline): Likely pathogenic (1 of 4 stars; one submission).

Conditions:
Methylmalonic aciduria, cblA type (MACA). Also called: Methylmalonic aciduria, vitamin b12-responsive, due to defect in synthesis of adenosylcobalamin, cbla complementation type; MMA cbl A type; Methylmalonic acidemia cblA type; Methylmalonic aciduria, vitamin B12-responsive; Vitamin B12-responsive methylmalonic acidemia type cblA. Identifiers: Orphanet 28, Orphanet 79310, MedGen C1855109, MONDO:0009613, OMIM 251100.

Submission:

Myriad Genetics, Inc.
Classification: Likely pathogenic for Methylmalonic aciduria, cblA type. Last evaluated: 2022-02-17. Review status: criteria provided, single submitter. Criteria: Myriad Women's Health Autosomal Recessive and X-Linked Classification Criteria (2021). Collection method: clinical testing. Allele origin: unknown.
Comment: NM_172250.2(MMAA):c.496delA(M166Cfs*12) is expected to be pathogenic in the context of methylmalonic acidemia, cblA type. This variant is predicted to lead to an abnormal or absent protein product due to the creation of a premature termination codon in MMAA, a gene where loss-of-function variants are known to be pathogenic. Please note: this variant was assessed in the context of healthy population screening.

NM_172250.3(MMAA):c.496del (p.Met166fs)

Gene: MMAA (metabolism of cobalamin associated A; plus strand). Cytogenetic location: 4q31.21.
Variant type: Deletion.
Coding change: c.496del on transcript NM_172250.3 (MANE Select); coding-DNA position 496, one base deleted (A; older notation c.496delA).
Protein change: p.Met166fs; shifts the reading frame from methionine 166.
Molecular consequence: frameshift variant.
Genome position (GRCh38, 1-based): chr4:145,642,419, A deleted; the last of 5 consecutive A bases (chr4:145,642,415-145,642,419); deleting any one gives the same sequence. VCF-style (leftmost placement, unchanged base first): chr4-145642414-GA-G. GRCh37 (hg19) VCF-style: chr4-146563566-GA-G.
Other names: c.496del, p.Met166fs (NM_001375644.1); short protein forms M166fs.
Identifiers: ClinVar variation 1724427 (VCV001724427.2), dbSNP rs2546337480, ClinGen allele CA2580071572.
Genomic context (GRCh38, chr4:145,642,414, plus strand): 5'-CCACCGTAGGATTGTCTGGGCCCCCTGGTGCTGGAAAATCAACATTTATAGAATATTTTG[GA>G]AAAATGCTTACTGAGAGAGGGCACAAATTATCTGTGCTAGCTGTGGACCCTTCTTCTTGT-3'